The following is an entry in ClinVar:

ClinVar aggregate classification (germline): Benign/Likely benign. Review status: criteria provided, multiple submitters, no conflicts (2 of 4 stars). 11 submissions from 11 submitters: Benign (8); Likely benign (1). 2 of the submissions do not count toward it. Last evaluated 2026-02-04.

Conditions:
Dilated cardiomyopathy 1JJ (CMD1JJ). Identifiers: Orphanet 154, MedGen C3808935, MONDO:0014095, OMIM 615235.

Allele frequency attached by ClinVar (database versions not stated): 1000 Genomes Project 30x 0.20800; ESP Exome Variant Server 0.22205; 1000 Genomes Project 0.21046; gnomAD 0.21500; TOPMed 0.21774.
gnomAD v4.1: 396,151 of 1,609,616 alleles (25%); highest among the groups gnomAD compares: East Asian, 34%; 50,390 homozygotes.

Submissions (11):

Labcorp Genetics (formerly Invitae), Labcorp
Classification: Benign for Dilated cardiomyopathy 1JJ. Last evaluated: 2026-02-04. Review status: criteria provided, single submitter. Criteria: Invitae Variant Classification Sherloc (09022015). Collection method: clinical testing. Allele origin: germline.

Blueprint Genetics
Classification: Benign. Last evaluated: 2024-11-26. Review status: criteria provided, single submitter. Criteria: ACMG Guidelines, 2015. Collection method: clinical testing. Allele origin: germline.

Women's Health and Genetics/Laboratory Corporation of America, LabCorp
Classification: Likely benign. Last evaluated: 2023-04-09. Review status: criteria provided, single submitter. Criteria: LabCorp Variant Classification Summary - May 2015. Collection method: clinical testing. Allele origin: germline.

Genome-Nilou Lab
Classification: Benign for Dilated cardiomyopathy 1JJ. Last evaluated: 2021-08-19. Review status: criteria provided, single submitter. Criteria: ACMG Guidelines, 2015. Collection method: clinical testing. Allele origin: germline. Affected: no.

Clinical Genetics DNA and cytogenetics Diagnostics Lab, Erasmus MC, Erasmus Medical Center
Classification: Benign for Dilated cardiomyopathy 1JJ. Last evaluated: 2015-09-21. Review status: criteria provided, single submitter. Criteria: ACGS Guidelines, 2013. Collection method: clinical testing. Allele origin: germline. Affected: yes. Study: VKGL Data-share Consensus.

GeneDx
Classification: Benign. Last evaluated: 2013-11-22. Review status: criteria provided, single submitter. Criteria: GeneDx Variant Classification (06012015). Collection method: clinical testing. Allele origin: germline. Affected: yes.
Comment: This variant is considered likely benign or benign based on one or more of the following criteria: it is a conservative change, it occurs at a poorly conserved position in the protein, it is predicted to be benign by multiple in silico algorithms, and/or has population frequency not consistent with disease.

Biesecker Lab/Clinical Genomics Section, National Institutes of Health
Classification: Benign. Last evaluated: 2013-06-24. Review status: criteria provided, single submitter. Criteria: Ng et al. (Circ Cardiovasc Genet. 2013). Collection method: research. Allele origin: unknown. Observed: 395 variant alleles. Study: ClinSeq.
Comment: The study set was not selected for affection status in relation to any cancer. Pathogenicity categories were based on literature curation. See Pubmed ID:23861362 for details.

Medical sequencing

Laboratory for Molecular Medicine, Mass General Brigham Personalized Medicine
Classification: Benign. Last evaluated: 2012-04-10. Review status: criteria provided, single submitter. Criteria: LMM Criteria. Collection method: clinical testing. Allele origin: germline. Observed: 716 variant alleles.
Comment: Pro1112Arg in exon 25 of LAMA4: This variant is not expected to have clinical s ignificance because it has been identified in 26% (1825/7020) of European Americ an chromosomes and 15% (552/3738) of African American chromosomes from a broad p opulation by the NHLBI Exome Sequencing Project (S/; dbSNP rs1050349).

PreventionGenetics, part of Exact Sciences
Classification: Benign. Review status: criteria provided, single submitter. Criteria: ACMG Guidelines, 2015. Collection method: clinical testing. Allele origin: germline.

Clinical Genetics, Academic Medical Center
Classification: Benign. Review status: no assertion criteria provided. Collection method: clinical testing. Allele origin: germline. Affected: yes. Study: VKGL Data-share Consensus. Not counted in ClinVar's aggregate classification.

Diagnostic Laboratory, Department of Genetics, University Medical Center Groningen
Classification: Benign for Dilated cardiomyopathy 1JJ. Review status: no assertion criteria provided. Collection method: clinical testing. Allele origin: germline. Affected: yes. Study: VKGL Data-share Consensus. Not counted in ClinVar's aggregate classification.

NM_001105206.3(LAMA4):c.3356C>G (p.Pro1119Arg)

Gene: LAMA4 (laminin subunit alpha 4; minus strand). Cytogenetic location: 6q21.
Variant type: single nucleotide variant.
Coding change: c.3356C>G on transcript NM_001105206.3 (MANE Select); coding-DNA position 3356, C replaced by G.
Protein change: p.Pro1119Arg; replaces proline 1119 with arginine.
Molecular consequence: missense variant.
Genome position (GRCh38, 1-based): chr6:112,136,181, G>C on the plus strand (C>G on the coding strand, the complement: LAMA4 is on the minus strand). VCF-style: chr6-112136181-G-C. GRCh37 (hg19) VCF-style: chr6-112457383-G-C.
Other names: p.P1112R:CCT>CGT; c.3335C>G, p.Pro1112Arg (NM_001105207.3, NM_002290.5); short protein forms P1112R, P1119R.
Identifiers: ClinVar variation 44377 (VCV000044377.21), dbSNP rs1050349, ClinGen allele CA282377.
Genomic context (GRCh38, chr6:112,136,181, plus strand): 5'-ACCTCATGGTATTTTGCATCATTAATTTGAGCTTTCTTTAACGTATCTTCAAGATGCACA[G>C]GGCCACCGCTGAATCCAAAATCATAGAACACATGTAGGTAACCATTGCGCATTTCCAGTC-3'
Protein context (NP_001098676.2, residues 1109-1129): VFYDFGFSGG[Pro1119Arg]VHLEDTLKKA